The following is an entry in ClinVar:

ClinVar aggregate classification (germline): Uncertain significance (1 of 4 stars; one submission).

Conditions:
Glycogen storage disease due to muscle and heart glycogen synthase deficiency. Also called: GSD 0b; MUSCLE GLYCOGEN SYNTHASE DEFICIENCY. Identifiers: Orphanet 137625, MedGen C1969054, MONDO:0012693, OMIM 611556.

Submission:

Labcorp Genetics (formerly Invitae), Labcorp
Classification: Uncertain significance for Glycogen storage disease due to muscle and heart glycogen synthase deficiency. Last evaluated: 2024-03-07. Review status: criteria provided, single submitter. Criteria: Invitae Variant Classification Sherloc (09022015). Collection method: clinical testing. Allele origin: germline.
Comment: This sequence change replaces asparagine, which is neutral and polar, with aspartic acid, which is acidic and polar, at codon 374 of the GYS1 protein (p.Asn374Asp). This variant is not present in population databases (gnomAD no frequency). This variant has not been reported in the literature in individuals affected with GYS1-related conditions. Advanced modeling of protein sequence and biophysical properties (such as structural, functional, and spatial information, amino acid conservation, physicochemical variation, residue mobility, and thermodynamic stability) has been performed at Invitae for this missense variant, however the output from this modeling did not meet the statistical confidence thresholds required to predict the impact of this variant on GYS1 protein function. In summary, the available evidence is currently insufficient to determine the role of this variant in disease. Therefore, it has been classified as a Variant of Uncertain Significance.

NM_002103.5(GYS1):c.1120A>G (p.Asn374Asp)

Gene: GYS1 (glycogen synthase 1; minus strand). Cytogenetic location: 19q13.33.
Variant type: single nucleotide variant.
Coding change: c.1120A>G on transcript NM_002103.5 (MANE Select); coding-DNA position 1120, A replaced by G.
Protein change: p.Asn374Asp; replaces asparagine 374 with aspartic acid.
Molecular consequence: missense variant. On other transcripts: non-coding transcript variant (1).
Genome position (GRCh38, 1-based): chr19:48,981,579, T>C on the plus strand (A>G on the coding strand, the complement: GYS1 is on the minus strand). VCF-style: chr19-48981579-T-C. GRCh37 (hg19) VCF-style: chr19-49484836-T-C.
Other names: c.928A>G, p.Asn310Asp (NM_001161587.2); short protein forms N310D, N374D.
Identifiers: ClinVar variation 3645021 (VCV003645021.2).